The following is an entry in ClinVar:

ClinVar aggregate classification (germline): Uncertain significance. Review status: criteria provided, multiple submitters, no conflicts (2 of 4 stars). 2 submissions from 2 submitters: Uncertain significance (2). Last evaluated 2025-07-16.

Conditions:
Inborn genetic diseases. Identifiers: MedGen C0950123, MeSH D030342.
Vici syndrome (VICIS). Identifiers: Orphanet 1493, MedGen C1855772, MONDO:0009452, OMIM 242840.

Allele frequency attached by ClinVar (database versions not stated): TOPMed below 0.00001; gnomAD 0.00001; gnomAD exomes 0.00001.
gnomAD v4.1: 6 of 1,614,140 alleles (0.00037%); highest among the groups gnomAD compares: Non-Finnish European, 0.00051%; no homozygotes.

Submissions (2):

Ambry Genetics
Classification: Uncertain significance for Inborn genetic diseases. Last evaluated: 2025-07-16. Review status: criteria provided, single submitter. Criteria: Ambry Variant Classification Scheme 2023. Collection method: clinical testing. Allele origin: germline.

Labcorp Genetics (formerly Invitae), Labcorp
Classification: Uncertain significance for Vici syndrome. Last evaluated: 2021-08-31. Review status: criteria provided, single submitter. Criteria: Invitae Variant Classification Sherloc (09022015). Collection method: clinical testing. Allele origin: germline.
Comment: This sequence change replaces methionine with valine at codon 2322 of the EPG5 protein (p.Met2322Val). The methionine residue is highly conserved and there is a small physicochemical difference between methionine and valine. This variant is not present in population databases (ExAC no frequency). This variant has not been reported in the literature in individuals affected with EPG5-related conditions. Algorithms developed to predict the effect of missense changes on protein structure and function are either unavailable or do not agree on the potential impact of this missense change (SIFT: "Deleterious"; PolyPhen-2: "Possibly Damaging"; Align-GVGD: "Class C0"). In summary, the available evidence is currently insufficient to determine the role of this variant in disease. Therefore, it has been classified as a Variant of Uncertain Significance.

NM_020964.3(EPG5):c.6964A>G (p.Met2322Val)

Gene: EPG5 (ectopic P-granules 5 autophagy tethering factor; minus strand). Cytogenetic location: 18q12.3.
Variant type: single nucleotide variant.
Coding change: c.6964A>G on transcript NM_020964.3 (MANE Select); coding-DNA position 6964, A replaced by G.
Protein change: p.Met2322Val; replaces methionine 2322 with valine.
Molecular consequence: missense variant.
Genome position (GRCh38, 1-based): chr18:45,860,149, T>C on the plus strand (A>G on the coding strand, the complement: EPG5 is on the minus strand). VCF-style: chr18-45860149-T-C. GRCh37 (hg19) VCF-style: chr18-43440114-T-C.
Other names: c.6964A>G (NM_020964.2); short protein forms M2322V.
Identifiers: ClinVar variation 1517272 (VCV001517272.7), dbSNP rs1257071280, ClinGen allele CA402337212.